The following is an entry in ClinVar:

NM_000179.3(MSH6):c.1166C>T (p.Pro389Leu)

Gene: MSH6 (mutS homolog 6; plus strand). Cytogenetic location: 2p16.3.
Variant type: single nucleotide variant.
Coding change: c.1166C>T on transcript NM_000179.3 (MANE Select); coding-DNA position 1166, C replaced by T.
Protein change: p.Pro389Leu; replaces proline 389 with leucine.
Molecular consequence: missense variant.
Genome position (GRCh38, 1-based): chr2:47,799,149, C>T. VCF-style: chr2-47799149-C-T. GRCh37 (hg19) VCF-style: chr2-48026288-C-T.
Other names: c.776C>T, p.Pro259Leu (NM_001281492.2); c.260C>T, p.Pro87Leu (NM_001281493.2, NM_001281494.2); short protein forms P389L, P259L, P87L.
Identifiers: ClinVar variation 822266 (VCV000822266.9), dbSNP rs1572721950, ClinGen allele CA346742291.

ClinVar aggregate classification (germline): Uncertain significance. Review status: criteria provided, multiple submitters, no conflicts (2 of 4 stars). 2 submissions from 2 submitters: Uncertain significance (2). Last evaluated 2024-03-30.

Conditions:
Hereditary nonpolyposis colorectal neoplasms. Identifiers: MedGen C0009405, MeSH D003123.
Hereditary cancer-predisposing syndrome. Also called: Tumor predisposition; Hereditary Cancer Syndrome; Neoplastic Syndromes, Hereditary; Hereditary neoplastic syndrome. Identifiers: Orphanet 140162, MedGen C0027672, MeSH D009386, MONDO:0015356.

Submissions (2):

Labcorp Genetics (formerly Invitae), Labcorp
Classification: Uncertain significance for Hereditary nonpolyposis colorectal neoplasms. Last evaluated: 2024-03-30. Review status: criteria provided, single submitter. Criteria: Invitae Variant Classification Sherloc (09022015). Collection method: clinical testing. Allele origin: germline.
Comment: This sequence change replaces proline, which is neutral and non-polar, with leucine, which is neutral and non-polar, at codon 389 of the MSH6 protein (p.Pro389Leu). This variant is not present in population databases (gnomAD no frequency). This variant has not been reported in the literature in individuals affected with MSH6-related conditions. ClinVar contains an entry for this variant (Variation ID: 822266). Advanced modeling of protein sequence and biophysical properties (such as structural, functional, and spatial information, amino acid conservation, physicochemical variation, residue mobility, and thermodynamic stability) performed at Invitae indicates that this missense variant is not expected to disrupt MSH6 protein function with a negative predictive value of 95%. In summary, the available evidence is currently insufficient to determine the role of this variant in disease. Therefore, it has been classified as a Variant of Uncertain Significance.

Ambry Genetics
Classification: Uncertain significance for Hereditary cancer-predisposing syndrome. Last evaluated: 2018-02-22. Review status: criteria provided, single submitter. Criteria: Ambry Variant Classification Scheme 2023. Collection method: clinical testing. Allele origin: germline.
Comment: The p.P389L variant (also known as c.1166C>T), located in coding exon 4 of the MSH6 gene, results from a C to T substitution at nucleotide position 1166. The proline at codon 389 is replaced by leucine, an amino acid with similar properties. This amino acid position is highly conserved through mammals but not in all available vertebrate species. In addition, the in silico prediction for this alteration is inconclusive. In addition, the CoDP in silico tool predicts this alteration to have a minor impact on molecular function, with a score of 0.012 (Terui H et al. J. Biomed. Sci. 2013 Apr;20:25). Since supporting evidence is limited at this time, the clinical significance of this alteration remains unclear.